The following is an entry in ClinVar:

NM_000916.4(OXTR):c.1015G>A (p.Glu339Lys)

Gene: OXTR (oxytocin receptor; minus strand). Cytogenetic location: 3p25.3.
Variant type: single nucleotide variant.
Coding change: c.1015G>A on transcript NM_000916.4 (MANE Select); coding-DNA position 1015, G replaced by A.
Protein change: p.Glu339Lys; replaces glutamic acid 339 with lysine.
Molecular consequence: missense variant.
Genome position (GRCh38, 1-based): chr3:8,753,132, C>T on the plus strand (G>A on the coding strand, the complement: OXTR is on the minus strand). VCF-style: chr3-8753132-C-T. GRCh37 (hg19) VCF-style: chr3-8794818-C-T.
Other names: c.1015G>A, p.Glu339Lys (NM_001354653.2, NM_001354654.2, NM_001354655.2 and 1 more transcripts); short protein forms E339K.
Identifiers: ClinVar variation 770883 (VCV000770883.5), dbSNP rs143927655, ClinGen allele CA2236437.

ClinVar aggregate classification (germline): Benign. Review status: criteria provided, single submitter (1 of 4 stars). 2 submissions from 2 submitters: Benign (1). 1 of the submissions does not count toward it. Last evaluated 2018-08-22.

Conditions:
OXTR-related disorder. Also called: OXTR-related condition.

Allele frequency attached by ClinVar (database versions not stated): 1000 Genomes Project 30x 0.00016; 1000 Genomes Project 0.00020; gnomAD 0.00102 and 0.00103; TOPMed 0.00103; ExAC 0.00107; gnomAD exomes 0.00113 and 0.00131; ESP Exome Variant Server 0.00131.
gnomAD v4.1: 2,085 of 1,614,060 alleles (0.13%); highest among the groups gnomAD compares: Non-Finnish European, 0.14%; 3 homozygotes.

Submissions (2):

Labcorp Genetics (formerly Invitae), Labcorp
Classification: Benign. Last evaluated: 2018-08-22. Review status: criteria provided, single submitter. Criteria: Invitae Variant Classification Sherloc (09022015). Collection method: clinical testing. Allele origin: germline.

PreventionGenetics, part of Exact Sciences
Classification: Benign for OXTR-related condition. Last evaluated: 2019-06-07. Review status: no assertion criteria provided. Collection method: clinical testing. Allele origin: germline. Not counted in ClinVar's aggregate classification.
Comment: This variant is classified as benign based on ACMG/AMP sequence variant interpretation guidelines (Richards et al. 2015 PMID: 25741868, with internal and published modifications).